The following is an entry in ClinVar:

ClinVar aggregate classification (germline): Likely pathogenic. Review status: criteria provided, multiple submitters, no conflicts (2 of 4 stars). 2 submissions from 2 submitters: Likely pathogenic (2). Last evaluated 2025-06-25.

Conditions:
Bilateral frontoparietal polymicrogyria. Also called: CEREBELLAR ATAXIA WITH NEURONAL MIGRATION DEFECT; CORTICAL DYSPLASIA, COMPLEX, WITH OTHER BRAIN MALFORMATIONS 14A (BILATERAL FRONTOPARIETAL). Identifiers: Orphanet 101070, MedGen C1847352, MONDO:0011738, OMIM 606854.

Allele frequency attached by ClinVar (database versions not stated): ExAC 0.00002; 1000 Genomes Project 30x 0.00031; gnomAD exomes 0.00001; 1000 Genomes Project 0.00020.
gnomAD v4.1: 11 of 1,611,882 alleles (0.00068%); highest among the groups gnomAD compares: South Asian, 0.012%; no homozygotes.

Submissions (2):

Women's Health and Genetics/Laboratory Corporation of America, LabCorp
Classification: Likely pathogenic for Bilateral frontoparietal polymicrogyria. Last evaluated: 2025-06-25. Review status: criteria provided, single submitter. Criteria: LabCorp Variant Classification Summary - May 2015. Collection method: clinical testing. Allele origin: germline.
Comment: Variant summary: ADGRG1 c.768G>C (p.Glu256Asp) results in a conservative amino acid change in the encoded protein sequence. Algorithms developed to predict the effect of missense changes on protein structure and function all suggest that this variant is likely to be tolerated. Several computational tools predict a significant impact on normal splicing: Two predict the variant abolishes a 5 splicing donor site. One predicts the variant weakens a 5' donor site. However, these predictions have yet to be confirmed by functional studies. The variant allele was found at a frequency of 1.2e-05 in 247854 control chromosomes (gnomAD). c.768G>C has been reported in the literature in individuals affected with Polymicrogyria, Bilateral Frontoparietal (Piao_2004). These data indicate that the variant is likely to be associated with disease. To our knowledge, no experimental evidence demonstrating an impact on protein function has been reported. The following publication has been ascertained in the context of this evaluation (PMID: 15044805). ClinVar contains an entry for this variant (Variation ID: 158637). Based on the evidence outlined above, the variant was classified as likely pathogenic.

Genetic Services Laboratory, University of Chicago
Classification: Likely pathogenic for Polymicrogyria, bilateral frontoparietal. Last evaluated: 2014-05-08. Review status: criteria provided, single submitter. Criteria: ACMG Guidelines, 2015. Collection method: clinical testing. Allele origin: germline. Inheritance: Autosomal recessive inheritance. Affected: yes.

Literature cited by the submitters: PubMed 15044805 (cited by Women's Health and Genetics/Laboratory Corporation of America, LabCorp).

NM_201525.4(ADGRG1):c.768G>C (p.Glu256Asp)

Gene: ADGRG1 (adhesion G protein-coupled receptor G1; plus strand). Cytogenetic location: 16q21.
Variant type: single nucleotide variant.
Coding change: c.768G>C on transcript NM_201525.4 (MANE Select); coding-DNA position 768, G replaced by C.
Protein change: p.Glu256Asp; replaces glutamic acid 256 with aspartic acid.
Molecular consequence: missense variant.
Genome position (GRCh38, 1-based): chr16:57,654,133, G>C. VCF-style: chr16-57654133-G-C. GRCh37 (hg19) VCF-style: chr16-57688045-G-C.
Other names: c.768G>C, p.Glu256Asp (NM_001145770.3, NM_001145771.3, NM_001145772.3 and 16 more transcripts); c.783G>C, p.Glu261Asp (NM_001145773.3, NM_001370433.1); c.258G>C, p.Glu86Asp (NM_001290142.2); c.243G>C, p.Glu81Asp (NM_001290143.2, NM_001290144.2, NM_001370451.1 and 2 more transcripts); c.612G>C, p.Glu204Asp (NM_001370442.1); c.768G>C (NM_005682.6); short protein forms E256D, E86D, E81D, E204D, E261D.
Identifiers: ClinVar variation 158637 (VCV000158637.8), dbSNP rs532188689, ClinGen allele CA271552.